The following is an entry in ClinVar:

ClinVar aggregate classification (germline): Uncertain significance. Review status: criteria provided, multiple submitters, no conflicts (2 of 4 stars). 2 submissions from 2 submitters: Uncertain significance (2). Last evaluated 2024-08-19.

Conditions:
Inborn genetic diseases. Identifiers: MedGen C0950123, MeSH D030342.

gnomAD v4.1: 4 of 1,593,858 alleles (0.00025%); highest among the groups gnomAD compares: African/African-American, 0.004%; no homozygotes.

Submissions (2):

GeneDx
Classification: Uncertain significance. Last evaluated: 2024-08-19. Review status: criteria provided, single submitter. Criteria: GeneDx Variant Classification Process June 2021. Collection method: clinical testing. Allele origin: germline. Affected: yes.
Comment: Not observed at significant frequency in large population cohorts (gnomAD); In silico analysis supports that this missense variant has a deleterious effect on protein structure/function; Has not been previously published as pathogenic or benign to our knowledge

Ambry Genetics
Classification: Uncertain significance for Inborn genetic diseases. Last evaluated: 2024-06-10. Review status: criteria provided, single submitter. Criteria: Ambry Variant Classification Scheme 2023. Collection method: clinical testing. Allele origin: germline.

NM_018993.4(RIN2):c.1187C>T (p.Pro396Leu)

Gene: RIN2 (Ras and Rab interactor 2; plus strand). Cytogenetic location: 20p11.23.
Variant type: single nucleotide variant.
Coding change: c.1187C>T on transcript NM_018993.4 (MANE Select); coding-DNA position 1187, C replaced by T.
Protein change: p.Pro396Leu; replaces proline 396 with leucine.
Molecular consequence: missense variant.
Genome position (GRCh38, 1-based): chr20:19,975,212, C>T. VCF-style: chr20-19975212-C-T. GRCh37 (hg19) VCF-style: chr20-19955856-C-T.
Other names: c.1334C>T, p.Pro445Leu (NM_001242581.2); c.569C>T, p.Pro190Leu (NM_001378238.1); short protein forms P396L, P445L, P190L.
Identifiers: ClinVar variation 3314384 (VCV003314384.2).